The following is an entry in ClinVar:

ClinVar aggregate classification (germline): Uncertain significance (1 of 4 stars; one submission).

Allele frequency attached by ClinVar (database versions not stated): gnomAD 0.00001; TOPMed 0.00001.
gnomAD v4.1: 3 of 1,614,044 alleles (0.00019%); highest among the groups gnomAD compares: Non-Finnish European, 0.00025%; no homozygotes.

Submission:

Labcorp Genetics (formerly Invitae), Labcorp
Classification: Uncertain significance. Last evaluated: 2023-11-28. Review status: criteria provided, single submitter. Criteria: Invitae Variant Classification Sherloc (09022015). Collection method: clinical testing. Allele origin: germline.
Comment: This sequence change replaces leucine, which is neutral and non-polar, with valine, which is neutral and non-polar, at codon 350 of the NIN protein (p.Leu350Val). This variant is present in population databases (no rsID available, gnomAD 0.0009%). This variant has not been reported in the literature in individuals affected with NIN-related conditions. An algorithm developed to predict the effect of missense changes on protein structure and function (PolyPhen-2) suggests that this variant is likely to be disruptive. In summary, the available evidence is currently insufficient to determine the role of this variant in disease. Therefore, it has been classified as a Variant of Uncertain Significance.

NM_020921.4(NIN):c.1048C>G (p.Leu350Val)

Gene: NIN (ninein; minus strand). Cytogenetic location: 14q22.1.
Variant type: single nucleotide variant.
Coding change: c.1048C>G on transcript NM_020921.4 (MANE Select); coding-DNA position 1048, C replaced by G.
Protein change: p.Leu350Val; replaces leucine 350 with valine.
Molecular consequence: missense variant.
Genome position (GRCh38, 1-based): chr14:50,771,402, G>C on the plus strand (C>G on the coding strand, the complement: NIN is on the minus strand). VCF-style: chr14-50771402-G-C. GRCh37 (hg19) VCF-style: chr14-51238120-G-C.
Other names: c.1048C>G, p.Leu350Val (NM_016350.5, NM_182944.3, NM_182946.2); short protein forms L350V.
Identifiers: ClinVar variation 2836524 (VCV002836524.3), dbSNP rs1023955682, ClinGen allele CA260820242.